The following is an entry in ClinVar:

NC_000002.11:g.(?_74588626)_(74607164_?)dup

Gene: DCTN1 (dynactin subunit 1; minus strand). Cytogenetic location: 2p13.1.
Variant type: Duplication.
Identifiers: ClinVar variation 2425018 (VCV002425018.3).

ClinVar aggregate classification (germline): Uncertain significance (1 of 4 stars; one submission).

Conditions:
Perry syndrome. Also called: PARKINSONISM WITH ALVEOLAR HYPOVENTILATION AND MENTAL DEPRESSION. Identifiers: Orphanet 178509, MedGen C1868594, MONDO:0008201, OMIM 168605.
Amyotrophic lateral sclerosis type 1 (ALS1). Also called: AMYOTROPHIC LATERAL SCLEROSIS 1, FAMILIAL. Identifiers: Orphanet 803, MedGen C1862939, MONDO:0007103, OMIM 105400.
Neuronopathy, distal hereditary motor, type 7B. Also called: Distal Hereditary Motor Neuronopathy Type 7B (dHMN7B); HMN VIIB; LOWER MOTOR NEURON DISEASE, DYNACTIN TYPE; NEURONOPATHY, DISTAL HEREDITARY MOTOR, AUTOSOMAL DOMINANT 14; NEURONOPATHY, DISTAL HEREDITARY MOTOR, HARDING TYPE VIIB; NEUROPATHY, DISTAL HEREDITARY MOTOR, HARDING TYPE VIIB. Identifiers: Orphanet 139589, MedGen C1843315, MONDO:0011879, OMIM 607641.

Submission:

Labcorp Genetics (formerly Invitae), Labcorp
Classification: Uncertain significance for Amyotrophic lateral sclerosis type 1; Neuronopathy, distal hereditary motor, type 7B; Perry syndrome. Last evaluated: 2022-09-07. Review status: criteria provided, single submitter. Criteria: Invitae Variant Classification Sherloc (09022015). Collection method: clinical testing. Allele origin: germline.
Comment: In summary, the available evidence is currently insufficient to determine the role of this variant in disease. Therefore, it has been classified as a Variant of Uncertain Significance. This variant has not been reported in the literature in individuals affected with DCTN1-related conditions. A copy number gain of the genomic region encompassing the full coding sequence of the DCTN1 gene has been identified. The boundaries of this event are unknown as they extend beyond the assayed region for this gene and therefore may encompass additional genes. As the precise location of this event is unknown, it may be in tandem or it may be located elsewhere in the genome.